The following is an entry in ClinVar:

NM_020376.4(PNPLA2):c.856G>A (p.Asp286Asn)

Gene: PNPLA2 (patatin like domain 2, triacylglycerol lipase; plus strand). Cytogenetic location: 11p15.5.
Variant type: single nucleotide variant.
Coding change: c.856G>A on transcript NM_020376.4 (MANE Select); coding-DNA position 856, G replaced by A.
Protein change: p.Asp286Asn; replaces aspartic acid 286 with asparagine.
Molecular consequence: missense variant.
Genome position (GRCh38, 1-based): chr11:823,792, G>A. VCF-style: chr11-823792-G-A. GRCh37 (hg19) VCF-style: chr11-823792-G-A.
Other names: p.Asp286Asn; short protein forms D286N.
Identifiers: ClinVar variation 1392955 (VCV001392955.5), dbSNP rs992313245, ClinGen allele CA378981557.

ClinVar aggregate classification (germline): Uncertain significance. Review status: criteria provided, multiple submitters, no conflicts (2 of 4 stars). 2 submissions from 2 submitters: Uncertain significance (2). Last evaluated 2023-12-19.

Conditions:
Neutral lipid storage myopathy (NLSDM). Also called: NEUTRAL LIPID STORAGE DISEASE WITHOUT ICHTHYOSIS. Identifiers: Orphanet 98908, MedGen C1853136, MONDO:0012545, OMIM 610717.

Allele frequency attached by ClinVar (database versions not stated): gnomAD 0.00001.

Submissions (2):

Mayo Clinic Laboratories, Mayo Clinic
Classification: Uncertain significance. Last evaluated: 2023-12-19. Review status: criteria provided, single submitter. Criteria: ACMG Guidelines, 2015. Collection method: clinical testing. Allele origin: germline. Observed: 1 variant allele.
Comment: BP4, PM2_moderate

Labcorp Genetics (formerly Invitae), Labcorp
Classification: Uncertain significance for Neutral lipid storage myopathy. Last evaluated: 2022-06-27. Review status: criteria provided, single submitter. Criteria: Invitae Variant Classification Sherloc (09022015). Collection method: clinical testing. Allele origin: germline.
Comment: In summary, the available evidence is currently insufficient to determine the role of this variant in disease. Therefore, it has been classified as a Variant of Uncertain Significance. Algorithms developed to predict the effect of missense changes on protein structure and function (SIFT, PolyPhen-2, Align-GVGD) all suggest that this variant is likely to be tolerated. This variant has not been reported in the literature in individuals affected with PNPLA2-related conditions. This variant is not present in population databases (gnomAD no frequency). This sequence change replaces aspartic acid, which is acidic and polar, with asparagine, which is neutral and polar, at codon 286 of the PNPLA2 protein (p.Asp286Asn).